The following is an entry in ClinVar:

ClinVar aggregate classification (germline): Benign/Likely benign. Review status: criteria provided, multiple submitters, no conflicts (2 of 4 stars). 4 submissions from 4 submitters: Benign (1); Likely benign (3). Last evaluated 2026-01-19.

Conditions:
Kabuki syndrome 2 (KABUK2). Also called: KDM6A-Related Kabuki Syndrome. Identifiers: Orphanet 2322, MedGen C3275495, MONDO:0010465, OMIM 300867.

Allele frequency attached by ClinVar (database versions not stated): 1000 Genomes Project 30x 0.00021; TOPMed 0.00025.
gnomAD v4.1: 309 of 1,208,747 alleles (0.026%); highest among the groups gnomAD compares: Middle Eastern, 0.11%; no homozygotes.

Submissions (4):

Labcorp Genetics (formerly Invitae), Labcorp
Classification: Benign for Kabuki syndrome 2. Last evaluated: 2026-01-19. Review status: criteria provided, single submitter. Criteria: Invitae Variant Classification Sherloc (09022015). Collection method: clinical testing. Allele origin: germline.

Blueprint Genetics
Classification: Likely benign. Last evaluated: 2024-08-26. Review status: criteria provided, single submitter. Criteria: ACMG Guidelines, 2015. Collection method: clinical testing. Allele origin: germline.

CeGaT Center for Human Genetics Tuebingen
Classification: Likely benign. Last evaluated: 2023-01-01. Review status: criteria provided, single submitter. Criteria: CeGaT Center For Human Genetics Tuebingen Variant Classification Criteria Version 2. Collection method: clinical testing. Allele origin: germline. Affected: yes. Observed: 1 variant allele.
Comment: KDM6A: BP4, BS2

GeneDx
Classification: Likely benign. Last evaluated: 2015-04-23. Review status: criteria provided, single submitter. Criteria: GeneDx Variant Classification (06012015). Collection method: clinical testing. Allele origin: germline. Affected: yes.
Comment: This variant is considered likely benign or benign based on one or more of the following criteria: it is a conservative change, it occurs at a poorly conserved position in the protein, it is predicted to be benign by multiple in silico algorithms, and/or has population frequency not consistent with disease.

NM_001291415.2(KDM6A):c.2333C>T (p.Thr778Met)

Gene: KDM6A (lysine demethylase 6A; plus strand). Cytogenetic location: Xp11.3.
Variant type: single nucleotide variant.
Coding change: c.2333C>T on transcript NM_001291415.2 (MANE Select); coding-DNA position 2333, C replaced by T.
Protein change: p.Thr778Met; replaces threonine 778 with methionine.
Molecular consequence: missense variant. On other transcripts: non-coding transcript variant (1).
Genome position (GRCh38, 1-based): chrX:45,069,832, C>T. VCF-style: chrX-45069832-C-T. GRCh37 (hg19) VCF-style: chrX-44929077-C-T.
Other names: c.2198C>T, p.Thr733Met (NM_001291416.2); c.2042C>T, p.Thr681Met (NM_001291417.2); c.1940C>T, p.Thr647Met (NM_001291418.2); c.1289C>T, p.Thr430Met (NM_001291421.2); c.2177C>T, p.Thr726Met (NM_021140.4); short protein forms T726M, T778M, T647M, T681M, T430M, T733M.
Identifiers: ClinVar variation 379452 (VCV000379452.35), dbSNP rs2230018, ClinGen allele CA10392494.